The following is an entry in ClinVar:

NM_013276.4(SHPK):c.495-3C>T

Gene: SHPK (sedoheptulokinase; minus strand). Cytogenetic location: 17p13.2.
Variant type: single nucleotide variant.
Coding change: c.495-3C>T on transcript NM_013276.4 (MANE Select); 3 bases into the intron before coding-DNA position 495, C replaced by T.
Molecular consequence: intron variant.
Genome position (GRCh38, 1-based): chr17:3,623,494, G>A on the plus strand (C>T on the coding strand, the complement: SHPK is on the minus strand). VCF-style: chr17-3623494-G-A. GRCh37 (hg19) VCF-style: chr17-3526788-G-A.
Identifiers: ClinVar variation 4751882 (VCV004751882.1).

ClinVar aggregate classification (germline): Uncertain significance (1 of 4 stars; one submission).

gnomAD v4.1: 14 of 1,613,776 alleles (0.00087%); highest among the groups gnomAD compares: Admixed American, 0.018%; no homozygotes.

Submission:

Labcorp Genetics (formerly Invitae), Labcorp
Classification: Uncertain significance. Last evaluated: 2025-12-16. Review status: criteria provided, single submitter. Criteria: Invitae Variant Classification Sherloc (09022015). Collection method: clinical testing. Allele origin: germline.
Comment: This sequence change falls in intron 3 of the SHPK gene. It does not directly change the encoded amino acid sequence of the SHPK protein. It affects a nucleotide within the consensus splice site. This variant is present in population databases (rs775173554, gnomAD 0.02%). This variant has not been reported in the literature in individuals affected with SHPK-related conditions. Variants that disrupt the consensus splice site are a relatively common cause of aberrant splicing (PMID: 17576681, 9536098). Algorithms developed to predict the effect of sequence changes on RNA splicing suggest that this variant is not likely to affect RNA splicing. In summary, the available evidence is currently insufficient to determine the role of this variant in disease. Therefore, it has been classified as a Variant of Uncertain Significance.

Literature cited by the submitters: PubMed 17576681; PubMed 9536098.